The following is an entry in ClinVar:

NM_004984.4(KIF5A):c.2732A>G (p.Lys911Arg)

Gene: KIF5A (kinesin family member 5A; plus strand). Cytogenetic location: 12q13.3.
Variant type: single nucleotide variant.
Coding change: c.2732A>G on transcript NM_004984.4 (MANE Select); coding-DNA position 2732, A replaced by G.
Protein change: p.Lys911Arg; replaces lysine 911 with arginine.
Molecular consequence: missense variant.
Genome position (GRCh38, 1-based): chr12:57,581,149, A>G. VCF-style: chr12-57581149-A-G. GRCh37 (hg19) VCF-style: chr12-57974932-A-G.
Other names: c.2465A>G, p.Lys822Arg (NM_001354705.2); short protein forms K822R, K911R.
Identifiers: ClinVar variation 1471494 (VCV001471494.8), dbSNP rs199953180, ClinGen allele CA6653185.

ClinVar aggregate classification (germline): Uncertain significance (1 of 4 stars; one submission).

Conditions:
Spastic paraplegia. Identifiers: MedGen C0037772, HP:0001258.

Allele frequency attached by ClinVar (database versions not stated): 1000 Genomes Project 30x 0.00016; 1000 Genomes Project 0.00020.
gnomAD v4.1: 2 of 1,613,974 alleles (0.00012%); highest among the groups gnomAD compares: Non-Finnish European, 0.00017%; no homozygotes.

Submission:

Labcorp Genetics (formerly Invitae), Labcorp
Classification: Uncertain significance for Spastic paraplegia. Last evaluated: 2021-01-18. Review status: criteria provided, single submitter. Criteria: Invitae Variant Classification Sherloc (09022015). Collection method: clinical testing. Allele origin: germline.
Comment: This variant has not been reported in the literature in individuals with KIF5A-related conditions. This sequence change replaces lysine with arginine at codon 911 of the KIF5A protein (p.Lys911Arg). The lysine residue is moderately conserved and there is a small physicochemical difference between lysine and arginine. The frequency data for this variant in the population databases is considered unreliable, as metrics indicate poor data quality at this position in the ExAC database. Advanced modeling of protein sequence and biophysical properties (such as structural, functional, and spatial information, amino acid conservation, physicochemical variation, residue mobility, and thermodynamic stability) performed at Invitae indicates that this missense variant is not expected to disrupt KIF5A protein function. In summary, the available evidence is currently insufficient to determine the role of this variant in disease. Therefore, it has been classified as a Variant of Uncertain Significance.